The following is an entry in ClinVar:

ClinVar aggregate classification (germline): Uncertain significance (1 of 4 stars; one submission).

Conditions:
Intellectual developmental disorder, autosomal dominant 65. Also called: MENTAL RETARDATION, AUTOSOMAL DOMINANT 65. Identifiers: MedGen C5543371, MONDO:0023657, OMIM 619320.

Allele frequency attached by ClinVar (database versions not stated): gnomAD exomes below 0.00001; gnomAD 0.00001; TOPMed 0.00001.
gnomAD v4.1: 3 of 1,610,202 alleles (0.00019%); highest among the groups gnomAD compares: Admixed American, 0.0017%; no homozygotes.

Submission:

Institute of Human Genetics, Clinical Exome/Genome Diagnostics Group, University Hospital Bonn
Classification: Uncertain significance for Intellectual developmental disorder, autosomal dominant 65. Last evaluated: 2022-01-14. Review status: criteria provided, single submitter. Criteria: ACMG Guidelines, 2015. Collection method: clinical testing. Allele origin: germline. Affected: yes.
Comment: PM2

NM_015015.3(KDM4B):c.313G>A (p.Glu105Lys)

Gene: KDM4B (lysine demethylase 4B; plus strand). Cytogenetic location: 19p13.3.
Variant type: single nucleotide variant.
Coding change: c.313G>A on transcript NM_015015.3 (MANE Select); coding-DNA position 313, G replaced by A.
Protein change: p.Glu105Lys; replaces glutamic acid 105 with lysine.
Molecular consequence: missense variant.
Genome position (GRCh38, 1-based): chr19:5,040,007, G>A. VCF-style: chr19-5040007-G-A. GRCh37 (hg19) VCF-style: chr19-5040018-G-A.
Other names: c.313G>A, p.Glu105Lys (NM_001370093.1, NM_001370094.1); short protein forms E105K.
Identifiers: ClinVar variation 1343257 (VCV001343257.1), dbSNP rs2036754505, ClinGen allele CA403490313.
Genomic context (GRCh38, chr19:5,040,007, plus strand): 5'-CAGTACAATATCCAGAAGAAGGCCATGACAGTGGGCGAGTACCGCCGCCTGGCCAACAGC[G>A]AGAAGTACGCGGGGCGGGCAGGGCGGACCTGACCCCCGCCCCCGGGGGCACACCTGCTCA-3'
Protein context (NP_055830.1, residues 95-115): VGEYRRLANS[Glu105Lys]KYCTPRHQDF